The following is an entry in ClinVar:

NM_182961.4(SYNE1):c.11668G>A (p.Val3890Ile)

Gene: SYNE1 (spectrin repeat containing nuclear envelope protein 1; minus strand). Cytogenetic location: 6q25.2.
Variant type: single nucleotide variant.
Coding change: c.11668G>A on transcript NM_182961.4 (MANE Select); coding-DNA position 11668, G replaced by A.
Protein change: p.Val3890Ile; replaces valine 3890 with isoleucine.
Molecular consequence: missense variant.
Genome position (GRCh38, 1-based): chr6:152,350,683, C>T on the plus strand (G>A on the coding strand, the complement: SYNE1 is on the minus strand). VCF-style: chr6-152350683-C-T. GRCh37 (hg19) VCF-style: chr6-152671818-C-T.
Other names: c.11623G>A, p.Val3875Ile (NM_033071.5); c.11668G>A (NM_182961.2); short protein forms V3875I, V3890I.
Identifiers: ClinVar variation 652047 (VCV000652047.7), dbSNP rs760680769, ClinGen allele CA4056626.

ClinVar aggregate classification (germline): Uncertain significance. Review status: criteria provided, multiple submitters, no conflicts (2 of 4 stars). 2 submissions from 2 submitters: Uncertain significance (2). Last evaluated 2023-12-29.

Conditions:
Emery-Dreifuss muscular dystrophy 4, autosomal dominant (EDMD4). Also called: EMERY-DREIFUSS MUSCULAR DYSTROPHY 4 WITH VARIABLE FEATURES. Identifiers: Orphanet 261, MedGen C2751807, MONDO:0013071, OMIM 612998.
Autosomal recessive ataxia, Beauce type. Also called: Spinocerebellar ataxia, autosomal recessive 8; ATAXIA, RECESSIVE, OF BEAUCE; SYNE1-Related Autosomal Recessive Cerebellar Ataxia; SYNE1 Deficiency. Identifiers: Orphanet 88644, MedGen C1853116, MONDO:0012549, OMIM 610743.

Allele frequency attached by ClinVar (database versions not stated): gnomAD exomes 0.00002 and 0.00003; ExAC 0.00004; gnomAD 0.00005; TOPMed 0.00005.
gnomAD v4.1: 35 of 1,613,916 alleles (0.0022%); highest among the groups gnomAD compares: African/African-American, 0.021%; no homozygotes.

Submissions (2):

Athena Diagnostics
Classification: Uncertain significance. Last evaluated: 2023-12-29. Review status: criteria provided, single submitter. Criteria: Athena Diagnostics Criteria. Collection method: clinical testing. Allele origin: unknown.
Comment: Available data are insufficient to determine the clinical significance of the variant at this time. The frequency of this variant in the general population is uninformative in assessment of its pathogenicity. Computational tools predict that this variant is not damaging.

Labcorp Genetics (formerly Invitae), Labcorp
Classification: Uncertain significance for Emery-Dreifuss muscular dystrophy 4, autosomal dominant; Autosomal recessive ataxia, Beauce type. Last evaluated: 2023-12-11. Review status: criteria provided, single submitter. Criteria: Invitae Variant Classification Sherloc (09022015). Collection method: clinical testing. Allele origin: germline.
Comment: This sequence change replaces valine, which is neutral and non-polar, with isoleucine, which is neutral and non-polar, at codon 3875 of the SYNE1 protein (p.Val3875Ile). This variant is present in population databases (rs760680769, gnomAD 0.01%). This variant has not been reported in the literature in individuals affected with SYNE1-related conditions. ClinVar contains an entry for this variant (Variation ID: 652047). An algorithm developed to predict the effect of missense changes on protein structure and function (PolyPhen-2) suggests that this variant¬†is likely to be tolerated. In summary, the available evidence is currently insufficient to determine the role of this variant in disease. Therefore, it has been classified as a Variant of Uncertain Significance.